The following is an entry in ClinVar:

ClinVar aggregate classification (germline): Conflicting classifications of pathogenicity. Review status: criteria provided, conflicting classifications (1 of 4 stars). 11 submissions from 11 submitters: Uncertain significance (8); Likely benign (1). 2 of the submissions do not count toward it. Last evaluated 2026-10-01.

Conditions:
FANCG-related disorder. Also called: FANCG-related condition.
Fanconi anemia (FA). Also called: Fanconi's anemia. Identifiers: Orphanet 84, MedGen C0015625, MeSH D005199, MONDO:0019391.
Fanconi anemia complementation group G. Also called: FANCG-Related Fanconi Anemia; Fanconi anemia group G. Identifiers: Orphanet 84, MedGen C3469527, MONDO:0013565, OMIM 614082.

Allele frequency attached by ClinVar (database versions not stated): gnomAD exomes 0.00004 and 0.00013; ExAC 0.00010; 1000 Genomes Project 30x 0.00016; 1000 Genomes Project 0.00020; ESP Exome Variant Server 0.00046; gnomAD 0.00046 and 0.00051; TOPMed 0.00059.
gnomAD v4.1: 130 of 1,614,170 alleles (0.0081%); highest among the groups gnomAD compares: African/African-American, 0.16%; 1 homozygote.

Submissions (11):

St. Jude Molecular Pathology, St. Jude Children's Research Hospital
Classification: Uncertain significance for Fanconi anemia complementation group G. Last evaluated: 2026-10-01. Review status: criteria provided, single submitter. Criteria: St. Jude Assertion Criteria 2020. Collection method: clinical testing. Allele origin: germline.
Comment: The FANCG c.478G>A p.(Ala160Thr) missense change has a maximum subpopulation frequency of 0.2% in gnomAD v2.1.1. The in silico tool REVEL predicts a benign effect on protein function, but to our knowledge this prediction has not been confirmed by functional studies. This variant has been reported individuals with pancreatic cancer ( PMID: 39256447, 28199314) and in somatic tissue of individual with neuoblastoma (PMID: 27997549). To our knowledge, this variant has not been reported in individuals with Fanconi anemia. In summary, the evidence currently available is insufficient to determine the clinical significance of this variant. It has therefore been classified as of uncertain significance.

Labcorp Genetics (formerly Invitae), Labcorp
Classification: Uncertain significance for Fanconi anemia. Last evaluated: 2024-10-15. Review status: criteria provided, single submitter. Criteria: Invitae Variant Classification Sherloc (09022015). Collection method: clinical testing. Allele origin: germline.
Comment: This sequence change replaces alanine, which is neutral and non-polar, with threonine, which is neutral and polar, at codon 160 of the FANCG protein (p.Ala160Thr). This variant is present in population databases (rs140534765, gnomAD 0.2%). This variant has not been reported in the literature in individuals affected with FANCG-related conditions. ClinVar contains an entry for this variant (Variation ID: 239968). Invitae Evidence Modeling of protein sequence and biophysical properties (such as structural, functional, and spatial information, amino acid conservation, physicochemical variation, residue mobility, and thermodynamic stability) indicates that this missense variant is not expected to disrupt FANCG protein function with a negative predictive value of 80%. In summary, the available evidence is currently insufficient to determine the role of this variant in disease. Therefore, it has been classified as a Variant of Uncertain Significance.

Blueprint Genetics
Classification: Likely benign. Last evaluated: 2024-07-02. Review status: criteria provided, single submitter. Criteria: ACMG Guidelines, 2015. Collection method: clinical testing. Allele origin: germline.

Fulgent Genetics
Classification: Uncertain significance for Fanconi anemia complementation group G. Last evaluated: 2024-06-19. Review status: criteria provided, single submitter. Criteria: ACMG Guidelines, 2015. Collection method: clinical testing. Allele origin: germline.

GeneDx
Classification: Uncertain significance. Last evaluated: 2023-12-17. Review status: criteria provided, single submitter. Criteria: GeneDx Variant Classification Process June 2021. Collection method: clinical testing. Allele origin: germline. Affected: yes.
Comment: In silico analysis supports that this missense variant does not alter protein structure/function; Has not been previously published as pathogenic or benign to our knowledge

Mayo Clinic Laboratories, Mayo Clinic
Classification: Uncertain significance. Last evaluated: 2022-07-21. Review status: criteria provided, single submitter. Criteria: ACMG Guidelines, 2015. Collection method: clinical testing. Allele origin: germline. Observed: 2 variant alleles.
Comment: BP4_strong

Sema4
Classification: Uncertain significance for Fanconi anemia. Last evaluated: 2022-03-21. Review status: criteria provided, single submitter. Criteria: Sema4 Curation Guidelines. Collection method: curation. Allele origin: germline.
Comment: The FANCG c.478G>A (p.A160T) variant has not been reported in the literature to our knowledge. This variant was observed in 49/24954 chromosomes in the African/African American population, with no homozygotes, according to the Genome Aggregation Database (PMID: 32461654). This variant has been reported in ClinVar (Variation ID: 239968). In silico tools suggest the impact of the variant on protein function is benign, though these predictions have not been confirmed by functional studies. The evidence is insufficient to meet ACMG/AMP criteria for classifying the variant as benign or pathogenic. Thus, the clinical significance of this variant is currently uncertain.

Revvity Omics, Revvity
Classification: Uncertain significance for Fanconi anemia complementation group G. Last evaluated: 2020-11-12. Review status: criteria provided, single submitter. Criteria: ACMG Guidelines, 2015. Collection method: clinical testing. Allele origin: germline.

Illumina Laboratory Services, Illumina
Classification: Uncertain significance for Fanconi anemia complementation group G. Last evaluated: 2018-01-13. Review status: criteria provided, single submitter. Criteria: ICSL Variant Classification Criteria 13 December 2019. Collection method: clinical testing. Allele origin: germline.

PreventionGenetics, part of Exact Sciences
Classification: Uncertain significance for FANCG-related condition. Last evaluated: 2024-02-20. Review status: no assertion criteria provided. Collection method: clinical testing. Allele origin: germline. Not counted in ClinVar's aggregate classification.
Comment: The FANCG c.478G>A variant is predicted to result in the amino acid substitution p.Ala160Thr. To our knowledge, this variant has not been reported in the literature. This variant is reported in 0.20% of alleles in individuals of African descent in gnomAD. At this time, the clinical significance of this variant is uncertain due to the absence of conclusive functional and genetic evidence.

Natera, Inc.
Classification: Uncertain significance for Fanconi anemia group G. Last evaluated: 2020-01-24. Review status: no assertion criteria provided. Collection method: clinical testing. Allele origin: germline. Not counted in ClinVar's aggregate classification.

NM_004629.2(FANCG):c.478G>A (p.Ala160Thr)

Gene: FANCG (FA complementation group G; minus strand). Cytogenetic location: 9p13.3.
Variant type: single nucleotide variant.
Coding change: c.478G>A on transcript NM_004629.2 (MANE Select); coding-DNA position 478, G replaced by A.
Protein change: p.Ala160Thr; replaces alanine 160 with threonine.
Molecular consequence: missense variant.
Genome position (GRCh38, 1-based): chr9:35,078,173, C>T on the plus strand (G>A on the coding strand, the complement: FANCG is on the minus strand). VCF-style: chr9-35078173-C-T. GRCh37 (hg19) VCF-style: chr9-35078170-C-T.
Other names: p.Ala160Thr; short protein forms A160T.
Identifiers: ClinVar variation 239968 (VCV000239968.23), dbSNP rs140534765, ClinGen allele CA5040037.